The following is an entry in ClinVar:

ClinVar aggregate classification (germline): Uncertain significance. Review status: criteria provided, multiple submitters, no conflicts (2 of 4 stars). 2 submissions from 2 submitters: Uncertain significance (2). Last evaluated 2023-10-06.

Conditions:
Long QT syndrome (LQTS). Identifiers: MedGen C0023976, MeSH D008133, MONDO:0002442. Disease mechanism: loss of function. Inheritance: Various modes of inheritance.
Cardiovascular phenotype. Identifiers: MedGen CN230736.

Allele frequency attached by ClinVar (database versions not stated): gnomAD exomes below 0.00001; TOPMed 0.00001; gnomAD 0.00002.
gnomAD v4.1: 5 of 1,610,378 alleles (0.00031%); highest among the groups gnomAD compares: African/African-American, 0.0053%; no homozygotes.

Submissions (2):

Labcorp Genetics (formerly Invitae), Labcorp
Classification: Uncertain significance for Long QT syndrome. Last evaluated: 2023-10-06. Review status: criteria provided, single submitter. Criteria: Invitae Variant Classification Sherloc (09022015). Collection method: clinical testing. Allele origin: germline.
Comment: This sequence change replaces methionine, which is neutral and non-polar, with leucine, which is neutral and non-polar, at codon 575 of the CACNA1C protein (p.Met575Leu). This variant is present in population databases (no rsID available, gnomAD 0.009%). This variant has not been reported in the literature in individuals affected with CACNA1C-related conditions. ClinVar contains an entry for this variant (Variation ID: 1057413). Advanced modeling of protein sequence and biophysical properties (such as structural, functional, and spatial information, amino acid conservation, physicochemical variation, residue mobility, and thermodynamic stability) has been performed at Invitae for this missense variant, however the output from this modeling did not meet the statistical confidence thresholds required to predict the impact of this variant on CACNA1C protein function. In summary, the available evidence is currently insufficient to determine the role of this variant in disease. Therefore, it has been classified as a Variant of Uncertain Significance.

Ambry Genetics
Classification: Uncertain significance for Cardiovascular phenotype. Last evaluated: 2023-05-05. Review status: criteria provided, single submitter. Criteria: Ambry Variant Classification Scheme 2023. Collection method: clinical testing. Allele origin: germline.
Comment: The p.M575L variant (also known as c.1723A>T), located in coding exon 13 of the CACNA1C gene, results from an A to T substitution at nucleotide position 1723. The methionine at codon 575 is replaced by leucine, an amino acid with highly similar properties. This amino acid position is highly conserved in available vertebrate species. In addition, this alteration is predicted to be deleterious by in silico analysis. Since supporting evidence is limited at this time, the clinical significance of this alteration remains unclear.

NM_000719.7(CACNA1C):c.1723A>T (p.Met575Leu)

Gene: CACNA1C (calcium voltage-gated channel subunit alpha1 C; plus strand). Cytogenetic location: 12p13.33.
Variant type: single nucleotide variant.
Coding change: c.1723A>T on transcript NM_000719.7 (MANE Select); coding-DNA position 1723, A replaced by T.
Protein change: p.Met575Leu; replaces methionine 575 with leucine.
Molecular consequence: missense variant.
Genome position (GRCh38, 1-based): chr12:2,567,622, A>T. VCF-style: chr12-2567622-A-T. GRCh37 (hg19) VCF-style: chr12-2676788-A-T.
Other names: c.1723A>T (NM_000719.6); c.1723A>T, p.Met575Leu (NM_001129827.2, NM_001129829.2, NM_001129830.3 and 18 more transcripts); c.1714A>T, p.Met572Leu (NM_001129844.2); short protein forms M572L, M575L.
Identifiers: ClinVar variation 1057413 (VCV001057413.11), dbSNP rs1157777158, ClinGen allele CA383368866.